The following is an entry in ClinVar:

ClinVar aggregate classification (germline): Uncertain significance (1 of 4 stars; one submission).

Conditions:
Hereditary sensory and autonomic neuropathy type 7. Also called: Neuropathy, hereditary sensory and autonomic, type VII; HSAN VII. Identifiers: Orphanet 391397, MedGen C3809882, MONDO:0014244, OMIM 615548.
Familial episodic pain syndrome with predominantly lower limb involvement. Also called: Episodic pain syndrome, familial, 3. Identifiers: Orphanet 391384, Orphanet 391392, MedGen C3809899, MONDO:0014247, OMIM 615552.

Allele frequency attached by ClinVar (database versions not stated): ExAC 0.00001; gnomAD exomes 0.00001.

Submission:

Labcorp Genetics (formerly Invitae), Labcorp
Classification: Uncertain significance for Familial episodic pain syndrome with predominantly lower limb involvement; Hereditary sensory and autonomic neuropathy type 7. Last evaluated: 2023-10-31. Review status: criteria provided, single submitter. Criteria: Invitae Variant Classification Sherloc (09022015). Collection method: clinical testing. Allele origin: germline.
Comment: This variant, c.2355_2357del, results in the deletion of 1 amino acid(s) of the SCN11A protein (p.Leu786del), but otherwise preserves the integrity of the reading frame. This variant is present in population databases (rs753609258, gnomAD 0.002%). This variant has not been reported in the literature in individuals affected with SCN11A-related conditions. ClinVar contains an entry for this variant (Variation ID: 1513458). In summary, the available evidence is currently insufficient to determine the role of this variant in disease. Therefore, it has been classified as a Variant of Uncertain Significance.

NM_001349253.2(SCN11A):c.2355_2357del (p.Leu786del)

Gene: SCN11A (sodium voltage-gated channel alpha subunit 11; minus strand). Cytogenetic location: 3p22.2.
Variant type: Deletion.
Coding change: c.2355_2357del on transcript NM_001349253.2 (MANE Select); coding-DNA positions 2355 to 2357, 3 bases deleted (ATT; older notation c.2355_2357delATT).
Protein change: p.Leu786del; deletes leucine 786.
Molecular consequence: inframe deletion.
Genome position (GRCh38, 1-based): chr3:38,896,891-38,896,893, AAT deleted on the plus strand (ATT on the coding strand, the reverse complement: SCN11A is on the minus strand). VCF-style (leftmost placement, unchanged base first): chr3-38896890-CAAT-C. GRCh37 (hg19) VCF-style: chr3-38938381-CAAT-C.
Other names: c.2355_2357del, p.Leu786del (NM_014139.3); short protein forms L786del.
Identifiers: ClinVar variation 1513458 (VCV001513458.6), dbSNP rs753609258, ClinGen allele CA2322078.